The following is an entry in ClinVar:

NM_000046.5(ARSB):c.283C>T (p.Arg95Trp)

Genes: ARSB (arylsulfatase B; minus strand), LOC129994126 (ATAC-STARR-seq lymphoblastoid silent region 16127; plus strand). Cytogenetic location: 5q14.1.
Variant type: single nucleotide variant.
Coding change: c.283C>T on transcript NM_000046.5 (MANE Select); coding-DNA position 283, C replaced by T.
Protein change: p.Arg95Trp; replaces arginine 95 with tryptophan.
Molecular consequence: missense variant.
Genome position (GRCh38, 1-based): chr5:78,984,966, G>A on the plus strand (C>T on the coding strand, the complement: ARSB is on the minus strand). VCF-style: chr5-78984966-G-A. GRCh37 (hg19) VCF-style: chr5-78280789-G-A.
Other names: c.283C>T, p.Arg95Trp (NM_198709.3); short protein forms R95W.
Identifiers: ClinVar variation 1510169 (VCV001510169.9), dbSNP rs1201268402, ClinGen allele CA360196407.

ClinVar aggregate classification (germline): Likely pathogenic (1 of 4 stars; one submission).

Conditions:
Mucopolysaccharidosis type 6 (MPS6). Also called: MPS VI; ARSB DEFICIENCY; ARYLSULFATASE B DEFICIENCY; N-ACETYLGALACTOSAMINE-4-SULFATASE DEFICIENCY; MPS 6; Maroteaux Lamy syndrome. Identifiers: Orphanet 583, MedGen C0026709, MONDO:0009661, OMIM 253200.

Allele frequency attached by ClinVar (database versions not stated): TOPMed below 0.00001.

Submission:

Labcorp Genetics (formerly Invitae), Labcorp
Classification: Likely pathogenic for Mucopolysaccharidosis type 6. Last evaluated: 2023-05-24. Review status: criteria provided, single submitter. Criteria: Invitae Variant Classification Sherloc (09022015). Collection method: clinical testing. Allele origin: germline.
Comment: This variant has not been reported in the literature in individuals affected with ARSB-related conditions. This sequence change replaces arginine, which is basic and polar, with tryptophan, which is neutral and slightly polar, at codon 95 of the ARSB protein (p.Arg95Trp). This variant is not present in population databases (gnomAD no frequency). ClinVar contains an entry for this variant (Variation ID: 1510169). Advanced modeling of protein sequence and biophysical properties (such as structural, functional, and spatial information, amino acid conservation, physicochemical variation, residue mobility, and thermodynamic stability) performed at Invitae indicates that this missense variant is expected to disrupt ARSB protein function. This variant disrupts the p.Arg95 amino acid residue in ARSB. Other variant(s) that disrupt this residue have been determined to be pathogenic (PMID: 8651289, 17458871). This suggests that this residue is clinically significant, and that variants that disrupt this residue are likely to be disease-causing. In summary, the currently available evidence indicates that the variant is pathogenic, but additional data are needed to prove that conclusively. Therefore, this variant has been classified as Likely Pathogenic.

Literature cited by the submitters: PubMed 8651289; PubMed 17458871.